The following is an entry in ClinVar:

ClinVar aggregate classification (germline): Benign/Likely benign. Review status: criteria provided, multiple submitters, no conflicts (2 of 4 stars). 8 submissions from 8 submitters: Benign (1); Likely benign (6). 1 of the submissions does not count toward it. Last evaluated 2025-10-14.

Conditions:
SMAD4-related disorder. Also called: SMAD4-related condition; SMAD4-Related disorders.
Juvenile polyposis syndrome (JPS). Identifiers: Orphanet 2929, MedGen C0345893, MONDO:0017380, OMIM 174900.
Hereditary cancer-predisposing syndrome. Also called: Neoplastic Syndromes, Hereditary; Hereditary Cancer Syndrome; Hereditary neoplastic syndrome; Tumor predisposition. Identifiers: Orphanet 140162, MedGen C0027672, MeSH D009386, MONDO:0015356.
Familial thoracic aortic aneurysm and aortic dissection (TAAD). Also called: Thoracic aortic aneurysms and dissections. Identifiers: Orphanet 91387, MedGen C4707243, MONDO:0019625.
Juvenile polyposis/hereditary hemorrhagic telangiectasia syndrome (JPHT). Also called: POLYPOSIS, GENERALIZED JUVENILE, WITH PULMONARY ARTERIOVENOUS MALFORMATION; TELANGIECTASIA, HEREDITARY HEMORRHAGIC, WITH JUVENILE POLYPOSIS COLI; Juvenile Polyposis Syndrome / Hereditary Hemorrhagic Telangiectasia (JPS/HHT); JP/HHT SYNDROME; JUVENILE POLYPOSIS WITH HEREDITARY HEMORRHAGIC TELANGIECTASIA. Identifiers: Orphanet 2929, MedGen C1832942, MONDO:0008278, OMIM 175050.

Allele frequency attached by ClinVar (database versions not stated): gnomAD below 0.00001 and 0.00001; gnomAD exomes below 0.00001.
gnomAD v4.1: 5 of 1,614,002 alleles (0.00031%); highest among the groups gnomAD compares: East Asian, 0.0045%; no homozygotes.

Submissions (8):

Labcorp Genetics (formerly Invitae), Labcorp
Classification: Likely benign for Juvenile polyposis syndrome. Last evaluated: 2025-10-14. Review status: criteria provided, single submitter. Criteria: Invitae Variant Classification Sherloc (09022015). Collection method: clinical testing. Allele origin: germline.

Myriad Genetics, Inc.
Classification: Benign for Juvenile polyposis/hereditary hemorrhagic telangiectasia syndrome. Last evaluated: 2025-03-24. Review status: criteria provided, single submitter. Criteria: Myriad Autosomal Dominant, Autosomal Recessive and X-Linked Classification Criteria (2023). Collection method: clinical testing. Allele origin: unknown.
Comment: This variant is considered benign. This variant is a silent/synonymous amino acid change and it is not expected to impact splicing.

Women's Health and Genetics/Laboratory Corporation of America, LabCorp
Classification: Likely benign. Last evaluated: 2024-02-25. Review status: criteria provided, single submitter. Criteria: LabCorp Variant Classification Summary - May 2015. Collection method: clinical testing. Allele origin: germline.

All of Us Research Program, National Institutes of Health
Classification: Likely benign for Juvenile polyposis/hereditary hemorrhagic telangiectasia syndrome. Last evaluated: 2024-01-11. Review status: criteria provided, single submitter. Criteria: ACMG Guidelines, 2015. Collection method: clinical testing. Allele origin: germline. Inheritance: Autosomal dominant inheritance. Observed: 2 variant alleles, 2 heterozygotes.
Comment: This study involves interpretation of variants in research participants for the purpose of population health screening. Participant phenotype was not available at the time of variant classification. Additional details can be found in publication PMID: 35346344, PMCID: PMC8962531

Color Diagnostics, LLC DBA Color Health
Classification: Likely benign for Hereditary cancer-predisposing syndrome. Last evaluated: 2017-05-09. Review status: criteria provided, single submitter. Criteria: ACMG Guidelines, 2015. Collection method: clinical testing. Allele origin: germline.

GeneDx
Classification: Likely benign. Last evaluated: 2016-11-21. Review status: criteria provided, single submitter. Criteria: GeneDx Variant Classification (06012015). Collection method: clinical testing. Allele origin: germline. Affected: yes.
Comment: This variant is considered likely benign or benign based on one or more of the following criteria: it is a conservative change, it occurs at a poorly conserved position in the protein, it is predicted to be benign by multiple in silico algorithms, and/or has population frequency not consistent with disease.

Ambry Genetics
Classification: Likely benign for Hereditary cancer-predisposing syndrome; Familial thoracic aortic aneurysm and aortic dissection. Last evaluated: 2016-07-28. Review status: criteria provided, single submitter. Criteria: Ambry Variant Classification Scheme 2023. Collection method: clinical testing. Allele origin: germline.

PreventionGenetics, part of Exact Sciences
Classification: Likely benign for SMAD4-related condition. Last evaluated: 2024-08-30. Review status: no assertion criteria provided. Collection method: clinical testing. Allele origin: germline. Not counted in ClinVar's aggregate classification.
Comment: This variant is classified as likely benign based on ACMG/AMP sequence variant interpretation guidelines (Richards et al. 2015 PMID: 25741868, with internal and published modifications).

NM_005359.6(SMAD4):c.1533G>A (p.Pro511=)

Gene: SMAD4 (SMAD family member 4; plus strand). Cytogenetic location: 18q21.2.
Variant type: single nucleotide variant.
Coding change: c.1533G>A on transcript NM_005359.6 (MANE Select); coding-DNA position 1533, G replaced by A.
Protein change: p.Pro511=; no amino-acid change (proline 511 retained).
Molecular consequence: synonymous variant.
Genome position (GRCh38, 1-based): chr18:51,078,341, G>A. VCF-style: chr18-51078341-G-A. GRCh37 (hg19) VCF-style: chr18-48604711-G-A.
Identifiers: ClinVar variation 391101 (VCV000391101.21), dbSNP rs1057523968, ClinGen allele CA16607598.
Genomic context (GRCh38, chr18:51,078,341, plus strand): 5'-TGTTGATGACCTTCGTCGCTTATGCATACTCAGGATGAGTTTTGTGAAAGGCTGGGGACC[G>A]GATTACCCAAGACAGAGCATCAAAGAAACACCTTGCTGGATTGAAATTCACTTACACCGG-3'
Protein context (NP_005350.1, residues 501-521): LRMSFVKGWG[Pro511=]DYPRQSIKET